The following is an entry in ClinVar:

NM_001278116.2(L1CAM):c.1375C>T (p.Gln459Ter)

Gene: L1CAM (L1 cell adhesion molecule; minus strand). Cytogenetic location: Xq28.
Variant type: single nucleotide variant.
Coding change: c.1375C>T on transcript NM_001278116.2 (MANE Select); coding-DNA position 1375, C replaced by T.
Protein change: p.Gln459Ter; replaces glutamine 459 with a stop codon.
Molecular consequence: nonsense.
Genome position (GRCh38, 1-based): chrX:153,868,845, G>A on the plus strand (C>T on the coding strand, the complement: L1CAM is on the minus strand). VCF-style: chrX-153868845-G-A. GRCh37 (hg19) VCF-style: chrX-153134300-G-A.
Other names: c.1375C>T, p.Gln459Ter (NM_000425.5, NM_024003.3); c.1360C>T, p.Gln454Ter (NM_001143963.2); short protein forms Q459*, Q454*.
Identifiers: ClinVar variation 4088116 (VCV004088116.3).

ClinVar aggregate classification (germline): Pathogenic. Review status: criteria provided, multiple submitters, no conflicts (2 of 4 stars). 2 submissions from 2 submitters: Pathogenic (2). Last evaluated 2025-03-24.

Conditions:
MASA syndrome. Also called: MASA (Mental Retardation, Adducted Thumbs, Shuffling Gait, Aphasia) Syndrome, Including SPG1 (X-Linked Complicated Hereditary Spastic Paraplegia Type 1); CRASH syndrome; ADDUCTED THUMB WITH MENTAL RETARDATION; CLASPED THUMB AND MENTAL RETARDATION; GAREIS-MASON SYNDROME; MENTAL RETARDATION, APHASIA, SHUFFLING GAIT, AND ADDUCTED THUMBS. Identifiers: Orphanet 2466, MedGen C0795953, MONDO:0010559, OMIM 303350.
X-linked hydrocephalus syndrome (HYCX). Also called: AQUEDUCTAL STENOSIS, X-LINKED; X-Linked Hydrocephalus with Stenosis of the Aqueduct of Sylvius; X-Linked Hydrocephalus with Stenosis of the Aqueduct of Sylvius (HSAS); X-linked hydrocephalus; HYDROCEPHALUS, CONGENITAL, X-LINKED. Identifiers: Orphanet 2182, MedGen C0265216, MONDO:0010611, OMIM 307000.
X-linked complicated corpus callosum dysgenesis. Also called: X-Linked Complicated Corpus Callosum Agenesis. Identifiers: Orphanet 1497, MedGen C1839909, MONDO:0010569, OMIM 304100.

Submissions (2):

GeneDx
Classification: Pathogenic. Last evaluated: 2025-03-24. Review status: criteria provided, single submitter. Criteria: GeneDx Variant Classification Process June 2021. Collection method: clinical testing. Allele origin: germline. Affected: yes.
Comment: Nonsense variant predicted to result in protein truncation or nonsense mediated decay in a gene for which loss of function is a known mechanism of disease; Not observed at significant frequency in large population cohorts (gnomAD); This variant is associated with the following publications: (PMID: 25525159, 15662685)

Juno Genomics, Hangzhou Juno Genomics, Inc
Classification: Pathogenic for X-linked complicated corpus callosum dysgenesis; X-linked hydrocephalus syndrome; MASA syndrome. Review status: criteria provided, single submitter. Criteria: ACMG Guidelines, 2015. Collection method: clinical testing. Allele origin: germline.
Comment: Absent from controls (or at extremely low frequency if recessive) in Genome Aggregation Database.;Null variant in a gene where loss of function (LOF) is a known mechanism of disease.;Patient's phenotype or family history is highly specific for a disease with a single genetic etiology.